The following is an entry in ClinVar:

NM_020964.3(EPG5):c.3422G>A (p.Gly1141Asp)

Gene: EPG5 (ectopic P-granules 5 autophagy tethering factor; minus strand). Cytogenetic location: 18q21.1.
Variant type: single nucleotide variant.
Coding change: c.3422G>A on transcript NM_020964.3 (MANE Select); coding-DNA position 3422, G replaced by A.
Protein change: p.Gly1141Asp; replaces glycine 1141 with aspartic acid.
Molecular consequence: missense variant.
Genome position (GRCh38, 1-based): chr18:45,916,169, C>T on the plus strand (G>A on the coding strand, the complement: EPG5 is on the minus strand). VCF-style: chr18-45916169-C-T. GRCh37 (hg19) VCF-style: chr18-43496134-C-T.
Other names: short protein forms G1141D.
Identifiers: ClinVar variation 1468414 (VCV001468414.4), dbSNP rs776414813, ClinGen allele CA8949171.

ClinVar aggregate classification (germline): Uncertain significance (1 of 4 stars; one submission).

Conditions:
Vici syndrome (VICIS). Identifiers: Orphanet 1493, MedGen C1855772, MONDO:0009452, OMIM 242840.

Allele frequency attached by ClinVar (database versions not stated): TOPMed below 0.00001; ExAC 0.00001; gnomAD exomes 0.00002.
gnomAD v4.1: 4 of 1,613,924 alleles (0.00025%); highest among the groups gnomAD compares: Admixed American, 0.005%; no homozygotes.

Submission:

Labcorp Genetics (formerly Invitae), Labcorp
Classification: Uncertain significance for Vici syndrome. Last evaluated: 2022-07-11. Review status: criteria provided, single submitter. Criteria: Invitae Variant Classification Sherloc (09022015). Collection method: clinical testing. Allele origin: germline.
Comment: This sequence change replaces glycine, which is neutral and non-polar, with aspartic acid, which is acidic and polar, at codon 1141 of the EPG5 protein (p.Gly1141Asp). This variant is present in population databases (rs776414813, gnomAD 0.006%). This variant has not been reported in the literature in individuals affected with EPG5-related conditions. ClinVar contains an entry for this variant (Variation ID: 1468414). Algorithms developed to predict the effect of missense changes on protein structure and function are either unavailable or do not agree on the potential impact of this missense change (SIFT: "Tolerated"; PolyPhen-2: "Probably Damaging"; Align-GVGD: "Class C0"). In summary, the available evidence is currently insufficient to determine the role of this variant in disease. Therefore, it has been classified as a Variant of Uncertain Significance.